The following is an entry in ClinVar:

ClinVar aggregate classification (germline): Uncertain significance (1 of 4 stars; one submission).

Conditions:
Long QT syndrome (LQTS). Identifiers: MedGen C0023976, MeSH D008133, MONDO:0002442. Disease mechanism: loss of function. Inheritance: Various modes of inheritance.

Submission:

Labcorp Genetics (formerly Invitae), Labcorp
Classification: Uncertain significance for Long QT syndrome. Last evaluated: 2026-01-06. Review status: criteria provided, single submitter. Criteria: Invitae Variant Classification Sherloc (09022015). Collection method: clinical testing. Allele origin: germline.
Comment: This sequence change replaces arginine, which is basic and polar, with glycine, which is neutral and non-polar, at codon 418 of the CACNA1C protein (p.Arg418Gly). This variant is not present in population databases (gnomAD no frequency). This variant has not been reported in the literature in individuals affected with CACNA1C-related conditions. Invitae Evidence Modeling of protein sequence and biophysical properties (such as structural, functional, and spatial information, amino acid conservation, physicochemical variation, residue mobility, and thermodynamic stability) indicates that this missense variant is expected to disrupt CACNA1C protein function with a positive predictive value of 95%. In summary, the available evidence is currently insufficient to determine the role of this variant in disease. Therefore, it has been classified as a Variant of Uncertain Significance.

NM_000719.7(CACNA1C):c.1252C>G (p.Arg418Gly)

Gene: CACNA1C (calcium voltage-gated channel subunit alpha1 C; plus strand). Cytogenetic location: 12p13.33.
Variant type: single nucleotide variant.
Coding change: c.1252C>G on transcript NM_000719.7 (MANE Select); coding-DNA position 1252, C replaced by G.
Protein change: p.Arg418Gly; replaces arginine 418 with glycine.
Molecular consequence: missense variant.
Genome position (GRCh38, 1-based): chr12:2,512,846, C>G. VCF-style: chr12-2512846-C-G. GRCh37 (hg19) VCF-style: chr12-2622012-C-G.
Other names: c.1252C>G, p.Arg418Gly (NM_001129827.2, NM_001129829.2, NM_001129830.3 and 18 more transcripts); c.1243C>G, p.Arg415Gly (NM_001129844.2); short protein forms R418G, R415G.
Identifiers: ClinVar variation 4745772 (VCV004745772.1).